The following is an entry in ClinVar:

NM_000548.5(TSC2):c.5364T>G (p.Tyr1788Ter)

Gene: TSC2 (TSC complex subunit 2; plus strand). Cytogenetic location: 16p13.3.
Variant type: single nucleotide variant.
Coding change: c.5364T>G on transcript NM_000548.5 (MANE Select); coding-DNA position 5364, T replaced by G.
Protein change: p.Tyr1788Ter; replaces tyrosine 1788 with a stop codon.
Molecular consequence: nonsense.
Genome position (GRCh38, 1-based): chr16:2,088,550, T>G. VCF-style: chr16-2088550-T-G. GRCh37 (hg19) VCF-style: chr16-2138551-T-G.
Other names: c.5163T>G, p.Tyr1721Ter (NM_001077183.3); c.5295T>G, p.Tyr1765Ter (NM_001114382.3); c.5055T>G, p.Tyr1685Ter (NM_001318827.2); c.5019T>G, p.Tyr1673Ter (NM_001318829.2); c.4632T>G, p.Tyr1544Ter (NM_001318831.2); c.5196T>G, p.Tyr1732Ter (NM_001318832.2); c.5166T>G, p.Tyr1722Ter (NM_001363528.2); c.5232T>G, p.Tyr1744Ter (NM_001370404.1); and 2 more; short protein forms Y1673*, Y1685*, Y1744*, Y1765*, Y1788*, Y1722*, Y1741*, Y1544*.
Identifiers: ClinVar variation 641900 (VCV000641900.10), dbSNP rs367703283, ClinGen allele CA394315850.
Genomic context (GRCh38, chr16:2,088,550, plus strand): 5'-GCACCCTCCGTCCCATAGCAAAGCCCCTGCACAGACTCCAGCCGAGCCCACACCTGGCTA[T>G]GAGGTGGGCCAGCGGAAGCGCCTCATCTCCTCGGTGGAGGACTTCACCGAGTTTGTGTGA-3'

ClinVar aggregate classification (germline): Uncertain significance. Review status: criteria provided, multiple submitters, no conflicts (2 of 4 stars). 3 submissions from 3 submitters: Uncertain significance (3). Last evaluated 2025-06-12.

Conditions:
Tuberous sclerosis 2 (TSC2). Identifiers: Orphanet 805, MedGen C1860707, MONDO:0013199, OMIM 613254.
Hereditary cancer-predisposing syndrome. Also called: Neoplastic Syndromes, Hereditary; Hereditary Cancer Syndrome; Hereditary neoplastic syndrome; Tumor predisposition. Identifiers: Orphanet 140162, MedGen C0027672, MeSH D009386, MONDO:0015356.

Submissions (3):

GeneDx
Classification: Uncertain significance. Last evaluated: 2025-06-12. Review status: criteria provided, single submitter. Criteria: GeneDx Variant Classification Process June 2021. Collection method: clinical testing. Allele origin: germline. Affected: yes.
Comment: Not observed at significant frequency in large population cohorts (gnomAD); Nonsense variant predicted to result in protein truncation as the last 20 amino acids are lost; Has not been previously published as pathogenic or benign to our knowledge

Ambry Genetics
Classification: Uncertain significance for Hereditary cancer-predisposing syndrome. Last evaluated: 2024-11-19. Review status: criteria provided, single submitter. Criteria: Ambry Variant Classification Scheme 2023. Collection method: clinical testing. Allele origin: germline.
Comment: The p.Y1788* variant (also known as c.5364T>G), located in coding exon 41 of the TSC2 gene, results from a T to G substitution at nucleotide position 5364. This changes the amino acid from a tyrosine to a stop codon within coding exon 41. This alteration occurs at the 3' terminus of theTSC2 gene, is not expected to trigger nonsense-mediated mRNAdecay, and only impacts the last 20 amino acids of the protein. The exact functional effect of this alteration is unknown. Based on the available evidence, the clinical significance of this variant remains unclear.

Labcorp Genetics (formerly Invitae), Labcorp
Classification: Uncertain significance for Tuberous sclerosis 2. Last evaluated: 2018-08-15. Review status: criteria provided, single submitter. Criteria: Invitae Variant Classification Sherloc (09022015). Collection method: clinical testing. Allele origin: germline.
Comment: This sequence change results in a premature translational stop signal in the TSC2 gene (p.Tyr1788*). While this is not anticipated to result in nonsense mediated decay, it is expected to disrupt the last 20 amino acids of the TSC2 protein. This variant is not present in population databases (ExAC no frequency). This variant has not been reported in the literature in individuals with TSC2-related disease. Frameshift variants that extend the reading frame of the C-terminal end of the TSC2 protein have been observed in individuals affected with tuberous sclerosis complex (TSC) (PMID: 21520333, 24789117, 21520333, Invitae). However, while nonsense variants that remove this very C-terminal end of the TSC2 protein have been observed in several instances, the individuals do not have clinical features consistent with TSC (Invitae). This variant is not expected to affect the Rap-GAP domain, which is required for tumor suppression function (PMID: 8799170, 18466115). Experimental studies are not available for this variant, and the functional significance of the deleted amino acids is currently unknown. In summary, the available evidence is currently insufficient to determine the role of this variant in disease. Therefore, it has been classified as a Variant of Uncertain Significance.

Literature cited by the submitters: PubMed 21520333 (cited by Labcorp Genetics (formerly Invitae), Labcorp); PubMed 24789117 (cited by Labcorp Genetics (formerly Invitae), Labcorp); PubMed 8799170 (cited by Labcorp Genetics (formerly Invitae), Labcorp); PubMed 18466115 (cited by Labcorp Genetics (formerly Invitae), Labcorp).